The following is an entry in ClinVar:

ClinVar aggregate classification (germline): Benign. Review status: criteria provided, multiple submitters, no conflicts (2 of 4 stars). 4 submissions from 2 submitters: Benign (4). Last evaluated 2018-01-13.

Conditions:
Leprechaunism syndrome. Also called: Donohue syndrome; LEPRECHAUNISM. Identifiers: Orphanet 508, MedGen C0265344, MONDO:0009517, OMIM 246200.
Insulin-resistant diabetes mellitus AND acanthosis nigricans. Also called: Insulin-resistance syndrome type A; INSULIN RECEPTOR, DEFECT IN, WITH INSULIN-RESISTANT DIABETES MELLITUS AND ACANTHOSIS NIGRICANS; IRAN, TYPE A; type A insulin resistance; DIABETES MELLITUS, INSULIN-RESISTANT, WITH ACANTHOSIS NIGRICANS, TYPE A. Identifiers: Orphanet 2297, MedGen C0342278, MONDO:0012520, OMIM 610549.
Rabson-Mendenhall syndrome. Also called: MENDENHALL SYNDROME; Pineal Hyperplasia, Insulin-Resistant Diabetes Mellitus, and Somatic Abnormalities; Pineal hyperplasia AND diabetes mellitus syndrome. Identifiers: Orphanet 769, MedGen C0271695, MONDO:0009874, OMIM 262190.

Allele frequency attached by ClinVar (database versions not stated): TOPMed 0.10309; gnomAD 0.10584 and 0.11023; 1000 Genomes Project 30x 0.12336; 1000 Genomes Project 0.12819; gnomAD exomes 0.20000.
gnomAD v4.1: 16,888 of 152,176 alleles (11%); highest among the groups gnomAD compares: South Asian, 19%; 1,142 homozygotes.

Submissions (4):

Illumina Laboratory Services, Illumina
Classification: Benign for Insulin-resistant diabetes mellitus AND acanthosis nigricans. Last evaluated: 2018-01-13. Review status: criteria provided, single submitter. Criteria: ICSL Variant Classification Criteria 13 December 2019. Collection method: clinical testing. Allele origin: germline.
Comment: This variant was observed in the ICSL laboratory as part of a predisposition screen in an ostensibly healthy population. It had not been previously curated by ICSL or reported in the Human Gene Mutation Database (HGMD: prior to June 1st, 2018), and was therefore a candidate for classification through an automated scoring system. Utilizing variant allele frequency, disease prevalence and penetrance estimates, and inheritance mode, an automated score was calculated to assess if this variant is too frequent to cause the disease. Based on the score and internal cut-off values, a variant classified as benign is not then subjected to further curation. The score for this variant resulted in a classification of benign for this disease.

Illumina Laboratory Services, Illumina
Classification: Benign for Leprechaunism syndrome. Last evaluated: 2018-01-13. Review status: criteria provided, single submitter. Criteria: ICSL Variant Classification Criteria 13 December 2019. Collection method: clinical testing. Allele origin: germline.
Comment: the same text as in the submission from Illumina Laboratory Services, Illumina above.

Illumina Laboratory Services, Illumina
Classification: Benign for Rabson-Mendenhall syndrome. Last evaluated: 2018-01-13. Review status: criteria provided, single submitter. Criteria: ICSL Variant Classification Criteria 13 December 2019. Collection method: clinical testing. Allele origin: germline.
Comment: the same text as in the submission from Illumina Laboratory Services, Illumina above.

Breakthrough Genomics
Classification: Benign. Review status: criteria provided, single submitter. Criteria: ACMG Guidelines, 2015. Collection method: not provided. Allele origin: germline. Inheritance: Autosomal recessive inheritance. Affected: yes.

NM_000208.4(INSR):c.*2854G>T

Gene: INSR (insulin receptor; minus strand). Cytogenetic location: 19p13.2.
Variant type: single nucleotide variant.
Coding change: c.*2854G>T on transcript NM_000208.4 (MANE Select); 2854 bases downstream of the stop codon, G replaced by T.
Molecular consequence: 3 prime UTR variant.
Genome position (GRCh38, 1-based): chr19:7,114,202, C>A on the plus strand (G>T on the coding strand, the complement: INSR is on the minus strand). VCF-style: chr19-7114202-C-A. GRCh37 (hg19) VCF-style: chr19-7114213-C-A.
Other names: c.*2854G>T (NM_001079817.3).
Identifiers: ClinVar variation 330376 (VCV000330376.6), dbSNP rs1864193, ClinGen allele CA10652840.